The following is an entry in ClinVar:

ClinVar aggregate classification (germline): Likely benign. Review status: criteria provided, multiple submitters, no conflicts (2 of 4 stars). 3 submissions from 3 submitters: Likely benign (3). Last evaluated 2025-12-17.

Conditions:
Gastrointestinal stromal tumor. Also called: Gastrointestinal stromal tumor, somatic; Gastrointestinal stroma tumor. Identifiers: Orphanet 44890, MedGen C0238198, MeSH D046152, MONDO:0011719, OMIM 606764, HP:0100723.
PDGFRA-related disorder. Also called: PDGFRA-related condition.
Hereditary cancer-predisposing syndrome. Also called: Tumor predisposition; Hereditary neoplastic syndrome; Hereditary Cancer Syndrome; Neoplastic Syndromes, Hereditary. Identifiers: Orphanet 140162, MedGen C0027672, MeSH D009386, MONDO:0015356.

Allele frequency attached by ClinVar (database versions not stated): TOPMed below 0.00001.

Submissions (3):

Labcorp Genetics (formerly Invitae), Labcorp
Classification: Likely benign for Gastrointestinal stromal tumor. Last evaluated: 2025-12-17. Review status: criteria provided, single submitter. Criteria: Invitae Variant Classification Sherloc (09022015). Collection method: clinical testing. Allele origin: germline.

PreventionGenetics, part of Exact Sciences
Classification: Likely benign for PDGFRA-related condition. Last evaluated: 2025-01-23. Review status: criteria provided, single submitter. Criteria: ACMG Guidelines, 2015. Collection method: clinical testing. Allele origin: germline.
Comment: This variant is classified as likely benign based on ACMG/AMP sequence variant interpretation guidelines (Richards et al. 2015 PMID: 25741868, with internal and published modifications).

Ambry Genetics
Classification: Likely benign for Hereditary cancer-predisposing syndrome. Last evaluated: 2019-12-30. Review status: criteria provided, single submitter. Criteria: Ambry Variant Classification Scheme 2023. Collection method: clinical testing. Allele origin: germline.

NM_006206.6(PDGFRA):c.2601C>T (p.Ile867=)

Gene: PDGFRA (platelet derived growth factor receptor alpha; plus strand). Cytogenetic location: 4q12.
Variant type: single nucleotide variant.
Coding change: c.2601C>T on transcript NM_006206.6 (MANE Select); coding-DNA position 2601, C replaced by T.
Protein change: p.Ile867=; no amino-acid change (isoleucine 867 retained).
Molecular consequence: synonymous variant.
Genome position (GRCh38, 1-based): chr4:54,287,468, C>T. VCF-style: chr4-54287468-C-T. GRCh37 (hg19) VCF-style: chr4-55153635-C-T.
Other names: c.2601C>T (NM_006206.5); c.2676C>T, p.Ile892= (NM_001347828.2); c.2601C>T, p.Ile867= (NM_001347829.2); c.2640C>T, p.Ile880= (NM_001347830.2).
Identifiers: ClinVar variation 1793685 (VCV001793685.6), dbSNP rs1724415696, ClinGen allele CA439287958.